The following is an entry in ClinVar:

ClinVar aggregate classification (germline): Uncertain significance (1 of 4 stars; one submission).

Submission:

Labcorp Genetics (formerly Invitae), Labcorp
Classification: Uncertain significance. Last evaluated: 2022-08-15. Review status: criteria provided, single submitter. Criteria: Invitae Variant Classification Sherloc (09022015). Collection method: clinical testing. Allele origin: germline.
Comment: This sequence change replaces threonine, which is neutral and polar, with serine, which is neutral and polar, at codon 386 of the TPP1 protein (p.Thr386Ser). This variant is not present in population databases (gnomAD no frequency). This variant has not been reported in the literature in individuals affected with TPP1-related conditions. Advanced modeling of protein sequence and biophysical properties (such as structural, functional, and spatial information, amino acid conservation, physicochemical variation, residue mobility, and thermodynamic stability) performed at Invitae indicates that this missense variant is expected to disrupt TPP1 protein function. In summary, the available evidence is currently insufficient to determine the role of this variant in disease. Therefore, it has been classified as a Variant of Uncertain Significance.

NM_000391.4(TPP1):c.1157C>G (p.Thr386Ser)

Gene: TPP1 (tripeptidyl peptidase 1; minus strand). Cytogenetic location: 11p15.4.
Variant type: single nucleotide variant.
Coding change: c.1157C>G on transcript NM_000391.4 (MANE Select); coding-DNA position 1157, C replaced by G.
Protein change: p.Thr386Ser; replaces threonine 386 with serine.
Molecular consequence: missense variant.
Genome position (GRCh38, 1-based): chr11:6,615,551, G>C on the plus strand (C>G on the coding strand, the complement: TPP1 is on the minus strand). VCF-style: chr11-6615551-G-C. GRCh37 (hg19) VCF-style: chr11-6636782-G-C.
Other names: short protein forms T386S.
Identifiers: ClinVar variation 2024206 (VCV002024206.4), dbSNP rs1199840174, ClinGen allele CA379473166.